The following is an entry in ClinVar:

ClinVar aggregate classification (germline): Conflicting classifications of pathogenicity. Review status: criteria provided, conflicting classifications (1 of 4 stars). 7 submissions from 7 submitters: Uncertain significance (6); Likely benign (1). Last evaluated 2025-11-19.

Conditions:
Lynch syndrome. Identifiers: Orphanet 144, MedGen C4552100, MONDO:0005835. Disease mechanism: loss of function.
Hereditary cancer-predisposing syndrome. Also called: Tumor predisposition; Hereditary Cancer Syndrome; Hereditary neoplastic syndrome; Neoplastic Syndromes, Hereditary. Identifiers: Orphanet 140162, MedGen C0027672, MeSH D009386, MONDO:0015356.
Mismatch repair cancer syndrome 3. Identifiers: MedGen C5436807, MONDO:0030841, OMIM 619097.
Lynch syndrome 5 (LYNCH5). Also called: Hereditary non-polyposis colorectal cancer, type 5; Colorectal cancer, hereditary nonpolyposis, type 5. Identifiers: Orphanet 144, MedGen C1833477, MONDO:0013710, OMIM 614350. Disease mechanism: loss of function.
Endometrial carcinoma. Also called: Endometrial carcinoma, somatic. Identifiers: MedGen C0476089, MONDO:0002447, OMIM 608089, HP:0012114.
Hereditary nonpolyposis colorectal neoplasms. Identifiers: MedGen C0009405, MeSH D003123.

Allele frequency attached by ClinVar (database versions not stated): TOPMed below 0.00001; gnomAD exomes 0.00001.
gnomAD v4.1: 12 of 1,614,010 alleles (0.00074%); highest among the groups gnomAD compares: Non-Finnish European, 0.001%; no homozygotes.

Submissions (7):

Ambry Genetics
Classification: Uncertain significance for Hereditary cancer-predisposing syndrome. Last evaluated: 2025-11-19. Review status: criteria provided, single submitter. Criteria: Ambry Variant Classification Scheme 2023. Collection method: clinical testing. Allele origin: germline.
Comment: The p.I513T variant (also known as c.1538T>C), located in coding exon 4 of the MSH6 gene, results from a T to C substitution at nucleotide position 1538. The isoleucine at codon 513 is replaced by threonine, an amino acid with similar properties. This amino acid position is not well conserved in available vertebrate species. In addition, this alteration is predicted to be deleterious by in silico analysis. Since supporting evidence is limited at this time, the clinical significance of this alteration remains unclear.

Labcorp Genetics (formerly Invitae), Labcorp
Classification: Likely benign for Hereditary nonpolyposis colorectal neoplasms. Last evaluated: 2025-10-23. Review status: criteria provided, single submitter. Criteria: Invitae Variant Classification Sherloc (09022015). Collection method: clinical testing. Allele origin: germline.

Color Diagnostics, LLC DBA Color Health
Classification: Uncertain significance for Hereditary cancer-predisposing syndrome. Last evaluated: 2025-02-24. Review status: criteria provided, single submitter. Criteria: ACMG Guidelines, 2015. Collection method: clinical testing. Allele origin: germline.
Comment: This missense variant replaces isoleucine with threonine at codon 513 of the MSH6 protein. Computational prediction suggests that this variant may have deleterious impact on protein structure and function. To our knowledge, functional studies have not been reported for this variant. This variant has not been reported in individuals affected with MSH6-related disorders in the literature. This variant has not been identified in the general population by the Genome Aggregation Database (gnomAD). The available evidence is insufficient to determine the role of this variant in disease conclusively. Therefore, this variant is classified as a Variant of Uncertain Significance.

All of Us Research Program, National Institutes of Health
Classification: Uncertain significance for Lynch syndrome. Last evaluated: 2024-09-11. Review status: criteria provided, single submitter. Criteria: ACMG Guidelines, 2015. Collection method: clinical testing. Allele origin: germline. Inheritance: Autosomal dominant inheritance. Observed: 4 variant alleles, 4 heterozygotes.
Comment: This missense variant replaces isoleucine with threonine at codon 513 of the MSH6 protein. Computational prediction suggests that this variant may have deleterious impact on protein structure and function (internally defined REVEL score threshold >= 0.7, PMID: 27666373). To our knowledge, functional studies have not been reported for this variant. This variant has not been reported in individuals affected with MSH6-related disorders in the literature. This variant has not been identified in the general population by the Genome Aggregation Database (gnomAD). The available evidence is insufficient to determine the role of this variant in disease conclusively. Therefore, this variant is classified as a Variant of Uncertain Significance.

This study involves interpretation of variants in research participants for the purpose of population health screening. Participant phenotype was not available at the time of variant classification. Additional details can be found in publication PMID: 35346344, PMCID: PMC8962531

Baylor Genetics
Classification: Uncertain significance for Endometrial carcinoma. Last evaluated: 2023-11-23. Review status: criteria provided, single submitter. Criteria: ACMG Guidelines, 2015. Collection method: clinical testing. Allele origin: unknown.

GeneDx
Classification: Uncertain significance. Last evaluated: 2022-08-18. Review status: criteria provided, single submitter. Criteria: GeneDx Variant Classification Process June 2021. Collection method: clinical testing. Allele origin: germline. Affected: yes.
Comment: Not observed at significant frequency in large population cohorts (gnomAD); In silico analysis supports that this missense variant has a deleterious effect on protein structure/function; Has not been previously published as pathogenic or benign to our knowledge; This variant is associated with the following publications: (PMID: 17531815, 21120944)

Fulgent Genetics
Classification: Uncertain significance for Endometrial carcinoma; Lynch syndrome 5; Mismatch repair cancer syndrome 3. Last evaluated: 2021-09-23. Review status: criteria provided, single submitter. Criteria: ACMG Guidelines, 2015. Collection method: clinical testing. Allele origin: unknown.

NM_000179.3(MSH6):c.1538T>C (p.Ile513Thr)

Gene: MSH6 (mutS homolog 6; plus strand). Cytogenetic location: 2p16.3.
Variant type: single nucleotide variant.
Coding change: c.1538T>C on transcript NM_000179.3 (MANE Select); coding-DNA position 1538, T replaced by C.
Protein change: p.Ile513Thr; replaces isoleucine 513 with threonine.
Molecular consequence: missense variant.
Genome position (GRCh38, 1-based): chr2:47,799,521, T>C. VCF-style: chr2-47799521-T-C. GRCh37 (hg19) VCF-style: chr2-48026660-T-C.
Other names: c.1148T>C, p.Ile383Thr (NM_001281492.2); c.632T>C, p.Ile211Thr (NM_001281493.2, NM_001281494.2); short protein forms I513T, I211T, I383T.
Identifiers: ClinVar variation 410453 (VCV000410453.23), dbSNP rs1060502908, ClinGen allele CA16610891.
Genomic context (GRCh38, chr2:47,799,521, plus strand): 5'-AGGCACGATGTAGAAAGATGGCACATATATCCAAGTATGATAGAGTGGTGAGGAGGGAGA[T>C]CTGTAGGATCATTACCAAGGGTACACAGACTTACAGTGTGCTGGAAGGTGATCCCTCTGA-3'
Protein context (NP_000170.1, residues 503-523): SKYDRVVRRE[Ile513Thr]CRIITKGTQT